The following is an entry in ClinVar:

ClinVar aggregate classification (germline): Benign/Likely benign. Review status: criteria provided, multiple submitters, no conflicts (2 of 4 stars). 17 submissions from 17 submitters: Benign (12); Likely benign (2). 3 of the submissions do not count toward it. Last evaluated 2026-07-01.

Conditions:
Hereditary cancer-predisposing syndrome. Also called: Neoplastic Syndromes, Hereditary; Tumor predisposition; Hereditary neoplastic syndrome; Hereditary Cancer Syndrome. Identifiers: Orphanet 140162, MedGen C0027672, MeSH D009386, MONDO:0015356.
Oligodontia-cancer predisposition syndrome. Also called: TOOTH AGENESIS-COLORECTAL CANCER SYNDROME. Identifiers: Orphanet 300576, MedGen C1837750, MONDO:0012075, OMIM 608615. Disease mechanism: loss of function.

Allele frequency attached by ClinVar (database versions not stated): gnomAD exomes 0.00040 and 0.00096; ExAC 0.00139; gnomAD 0.00370 and 0.00394; 1000 Genomes Project 0.00379; ESP Exome Variant Server 0.00380; TOPMed 0.00429; 1000 Genomes Project 30x 0.00437.
gnomAD v4.1: 1,168 of 1,592,670 alleles (0.073%); highest among the groups gnomAD compares: African/African-American, 1.2%; 9 homozygotes.

Submissions (17):

CeGaT Center for Human Genetics Tuebingen
Classification: Likely benign. Last evaluated: 2026-07-01. Review status: criteria provided, single submitter. Criteria: CeGaT Center For Human Genetics Tuebingen Variant Classification Criteria Version 2. Collection method: clinical testing. Allele origin: germline. Affected: yes. Observed: 4 variant alleles.
Comment: AXIN2: BP4, BP7, BS1

Labcorp Genetics (formerly Invitae), Labcorp
Classification: Benign for Oligodontia-cancer predisposition syndrome. Last evaluated: 2026-02-04. Review status: criteria provided, single submitter. Criteria: Invitae Variant Classification Sherloc (09022015). Collection method: clinical testing. Allele origin: germline.

Quest Diagnostics Nichols Institute San Juan Capistrano
Classification: Benign. Last evaluated: 2025-10-22. Review status: criteria provided, single submitter. Criteria: Quest Diagnostics criteria. Collection method: clinical testing. Allele origin: unknown.

ARUP Laboratories, Molecular Genetics and Genomics, ARUP Laboratories
Classification: Benign. Last evaluated: 2025-05-01. Review status: criteria provided, single submitter. Criteria: ARUP Molecular Germline Variant Investigation Process 2024. Collection method: clinical testing. Allele origin: germline.

Center for Genomic Medicine, Rigshospitalet, Copenhagen University Hospital
Classification: Benign. Last evaluated: 2025-03-04. Review status: criteria provided, single submitter. Criteria: ACMG Guidelines, 2015. Collection method: clinical testing. Allele origin: germline.
Comment: Classification criteria: BA1

KCCC/NGS Laboratory, Kuwait Cancer Control Center
Classification: Benign for Oligodontia-cancer predisposition syndrome. Last evaluated: 2025-02-01. Review status: criteria provided, single submitter. Criteria: ACMG Guidelines, 2015. Collection method: clinical testing. Allele origin: germline. Affected: no.

Blueprint Genetics
Classification: Likely benign. Last evaluated: 2024-11-21. Review status: criteria provided, single submitter. Criteria: ACMG Guidelines, 2015. Collection method: clinical testing. Allele origin: germline.

Myriad Genetics, Inc.
Classification: Benign for Oligodontia-cancer predisposition syndrome. Last evaluated: 2024-07-03. Review status: criteria provided, single submitter. Criteria: Myriad Autosomal Dominant, Autosomal Recessive and X-Linked Classification Criteria (2023). Collection method: clinical testing. Allele origin: unknown.
Comment: This variant is considered benign. This variant is a silent/synonymous amino acid change and it is not expected to impact splicing.

Department of Pathology and Laboratory Medicine, Sinai Health System
Classification: Benign for oligodontia-cancer predisposition syndrome. Last evaluated: 2023-06-08. Review status: criteria provided, single submitter. Criteria: ACMG Guidelines, 2015. Collection method: clinical testing. Allele origin: germline. Affected: no.

Women's Health and Genetics/Laboratory Corporation of America, LabCorp
Classification: Benign. Last evaluated: 2022-03-04. Review status: criteria provided, single submitter. Criteria: LabCorp Variant Classification Summary - May 2015. Collection method: clinical testing. Allele origin: germline.

Ambry Genetics
Classification: Benign for Hereditary cancer-predisposing syndrome. Last evaluated: 2018-11-21. Review status: criteria provided, single submitter. Criteria: Ambry Variant Classification Scheme 2023. Collection method: clinical testing. Allele origin: germline.

Illumina Laboratory Services, Illumina
Classification: Benign for Oligodontia-cancer predisposition syndrome. Last evaluated: 2018-01-12. Review status: criteria provided, single submitter. Criteria: ICSL Variant Classification Criteria 13 December 2019. Collection method: clinical testing. Allele origin: germline.
Comment: This variant was observed in the ICSL laboratory as part of a predisposition screen in an ostensibly healthy population. It had not been previously curated by ICSL or reported in the Human Gene Mutation Database (HGMD: prior to June 1st, 2018), and was therefore a candidate for classification through an automated scoring system. Utilizing variant allele frequency, disease prevalence and penetrance estimates, and inheritance mode, an automated score was calculated to assess if this variant is too frequent to cause the disease. Based on the score and internal cut-off values, a variant classified as benign is not then subjected to further curation. The score for this variant resulted in a classification of benign for this disease.

GeneDx
Classification: Benign. Last evaluated: 2013-12-23. Review status: criteria provided, single submitter. Criteria: GeneDx Variant Classification (06012015). Collection method: clinical testing. Allele origin: germline. Affected: yes.
Comment: This variant is considered likely benign or benign based on one or more of the following criteria: it is a conservative change, it occurs at a poorly conserved position in the protein, it is predicted to be benign by multiple in silico algorithms, and/or has population frequency not consistent with disease.

Breakthrough Genomics
Classification: Benign. Review status: criteria provided, single submitter. Criteria: ACMG Guidelines, 2015. Collection method: not provided. Allele origin: germline. Inheritance: Autosomal dominant inheritance. Affected: yes.

Genome Diagnostics Laboratory, Amsterdam University Medical Center
Classification: Benign. Review status: no assertion criteria provided. Collection method: clinical testing. Allele origin: germline. Affected: yes. Study: VKGL Data-share Consensus. Not counted in ClinVar's aggregate classification.

Laboratory of Diagnostic Genome Analysis, Leiden University Medical Center (LUMC)
Classification: Likely benign. Review status: no assertion criteria provided. Collection method: clinical testing. Allele origin: germline. Affected: yes. Study: VKGL Data-share Consensus. Not counted in ClinVar's aggregate classification.

Mayo Clinic Laboratories, Mayo Clinic
Classification: Benign. Review status: no assertion criteria provided. Collection method: clinical testing. Allele origin: unknown. Not counted in ClinVar's aggregate classification.

NM_004655.4(AXIN2):c.1410C>T (p.His470=)

Gene: AXIN2 (axin 2; minus strand). Cytogenetic location: 17q24.1.
Variant type: single nucleotide variant.
Coding change: c.1410C>T on transcript NM_004655.4 (MANE Select); coding-DNA position 1410, C replaced by T.
Protein change: p.His470=; no amino-acid change (histidine 470 retained).
Molecular consequence: synonymous variant.
Genome position (GRCh38, 1-based): chr17:65,537,626, G>A on the plus strand (C>T on the coding strand, the complement: AXIN2 is on the minus strand). VCF-style: chr17-65537626-G-A. GRCh37 (hg19) VCF-style: chr17-63533744-G-A.
Other names: p.H470H:CAC>CAT; c.1410C>T (LRG_296t1); c.1410C>T, p.His470= (NM_001363813.1).
Identifiers: ClinVar variation 136480 (VCV000136480.51), dbSNP rs149483825, ClinGen allele CA289632.